The following is an entry in ClinVar:

ClinVar aggregate classification (germline): Benign (0 of 4 stars; one submission).

Conditions:
MYCBP2-related disorder. Also called: MYCBP2-related condition.

Allele frequency attached by ClinVar (database versions not stated): ESP Exome Variant Server 0.00031; TOPMed 0.00040; 1000 Genomes Project 30x 0.00125; 1000 Genomes Project 0.00140; gnomAD exomes 0.00200; gnomAD 0.00387; ExAC 0.00461.
gnomAD v4.1: 3,503 of 1,613,610 alleles (0.22%); highest among the groups gnomAD compares: East Asian, 0.76%; 64 homozygotes.

Submission:

PreventionGenetics, part of Exact Sciences
Classification: Benign for MYCBP2-related condition. Last evaluated: 2019-04-05. Review status: no assertion criteria provided. Collection method: clinical testing. Allele origin: germline.
Comment: This variant is classified as benign based on ACMG/AMP sequence variant interpretation guidelines (Richards et al. 2015 PMID: 25741868, with internal and published modifications).

NM_015057.5(MYCBP2):c.3882T>C (p.Thr1294=)

Gene: MYCBP2 (MYC binding protein 2; minus strand). Cytogenetic location: 13q22.3.
Variant type: single nucleotide variant.
Coding change: c.3882T>C on transcript NM_015057.5 (MANE Select); coding-DNA position 3882, T replaced by C.
Protein change: p.Thr1294=; no amino-acid change (threonine 1294 retained).
Molecular consequence: synonymous variant.
Genome position (GRCh38, 1-based): chr13:77,194,206, A>G on the plus strand (T>C on the coding strand, the complement: MYCBP2 is on the minus strand). VCF-style: chr13-77194206-A-G. GRCh37 (hg19) VCF-style: chr13-77768341-A-G.
Identifiers: ClinVar variation 3044540 (VCV003044540.2), dbSNP rs142079611, ClinGen allele CA7009862.